The following is an entry in ClinVar:

NM_172107.4(KCNQ2):c.949G>A (p.Ala317Thr)

Gene: KCNQ2 (potassium voltage-gated channel subfamily Q member 2; minus strand). Cytogenetic location: 20q13.33.
Variant type: single nucleotide variant.
Coding change: c.949G>A on transcript NM_172107.4 (MANE Select); coding-DNA position 949, G replaced by A.
Protein change: p.Ala317Thr; replaces alanine 317 with threonine.
Molecular consequence: missense variant.
Genome position (GRCh38, 1-based): chr20:63,438,699, C>T on the plus strand (G>A on the coding strand, the complement: KCNQ2 is on the minus strand). VCF-style: chr20-63438699-C-T. GRCh37 (hg19) VCF-style: chr20-62070052-C-T.
Other names: c.949G>A, p.Ala317Thr (NM_004518.6, NM_172106.3, NM_172108.5 and 1 more transcripts); short protein forms A317T.
Identifiers: ClinVar variation 812166 (VCV000812166.5), dbSNP rs1600751236, ClinGen allele CA409652287.

ClinVar aggregate classification (germline): Pathogenic/Likely pathogenic. Review status: criteria provided, multiple submitters, no conflicts (2 of 4 stars). 3 submissions from 3 submitters: Pathogenic (2); Likely pathogenic (1). Last evaluated 2025-04-08.

Conditions:
Developmental and epileptic encephalopathy, 7 (DEE7). Also called: KCNQ2-Related Neonatal-Onset Developmental and Epileptic Encephalopathy (NEO-DEE); Early infantile epileptic encephalopathy 7; KCNQ2-Related Neonatal Epileptic Encephalopathy. Identifiers: Orphanet 439218, MedGen C3150986, MONDO:0013387, OMIM 613720.

Submissions (3):

GeneDx
Classification: Pathogenic. Last evaluated: 2025-04-08. Review status: criteria provided, single submitter. Criteria: GeneDx Variant Classification Process June 2021. Collection method: clinical testing. Allele origin: germline. Affected: yes.
Comment: Published functional studies demonstrate a damaging effect with increased current density and activation along with decreased deactivation and insensitivity to PIP2 concentration changes (PMID: 39602259); Not observed at significant frequency in large population cohorts (gnomAD); In silico analysis supports that this missense variant has a deleterious effect on protein structure/function; This substitution is predicted to be within the C-terminal cytoplasmic domain; This variant is associated with the following publications: (PMID: 39602259)

Victorian Clinical Genetics Services, Murdoch Childrens Research Institute
Classification: Pathogenic for Developmental and epileptic encephalopathy, 7. Last evaluated: 2022-02-02. Review status: criteria provided, single submitter. Criteria: ACMG Guidelines, 2015. Collection method: clinical testing. Allele origin: germline. Inheritance: Autosomal dominant inheritance. Affected: yes.
Comment: Based on the classification scheme VCGS_Germline_v1.3.4, this variant is classified as Pathogenic. Following criteria are met: 0103 - Dominant negative and loss of function are known mechanisms of disease in this gene and are associated with developmental and epileptic encephalopathy 7 (DEE; MIM#613720) and benign neonatal seizures, 1 (BNS; MIM#121200). Missense variants have been reported with a dominant negative mechanism (OMIM, PMID: 24318194) and in patients with either condition. Truncating variants and those predicted to undergo nonsense-mediated decay, have been reported to cause loss of function (DECIPHER) and are almost exclusively found in patients with BNS (PMID: 32917465). (I) 0107 - This gene is associated with autosomal dominant disease. (I) 0112 - The condition associated with this gene has incomplete penetrance, however, this is only reported for patients with BNS (PMID: 25959266). (I) 0200 - Variant is predicted to result in a missense amino acid change from alanine to threonine. (I) 0251 - This variant is heterozygous. (I) 0301 - Variant is absent from gnomAD (both v2 and v3). (SP) 0501 - Missense variant consistently predicted to be damaging by multiple in silico tools or highly conserved with a major amino acid change. (SP) 0601 - Variant is located in the well-established functional ion transporter domain (NCBI, DECIPHER). (SP) 0704 - Another missense variant comparable to the one identified in this case has limited previous evidence for pathogenicity. This alternative change (p.(Ala317Val)), has been reported as de novo and likely pathogenic in an individual with features including global developmental delay and seizures (DECIPHER). (SP) 0802 - This variant has moderate previous evidence of pathogenicity in unrelated individuals. This variant has been reported as likely pathogenic and de novo in an individual with epileptic encephalopathy (ClinVar). (SP) 0905 - No published segregation evidence has been identified for this variant. (I) 1007 - No published functional evidence has been identified for this variant. (SP) Legend: (SP) - Supporting pathogenic, (I) - Information, (SB) - Supporting benign

MVZ Martinsried, Medicover Genetics
Classification: Likely pathogenic for Developmental and epileptic encephalopathy, 7. Last evaluated: 2019-09-12. Review status: criteria provided, single submitter. Criteria: ACMG Guidelines, 2015. Collection method: clinical testing. Allele origin: de novo. Affected: yes.

Literature cited by the submitters: PubMed 24318194 (cited by Victorian Clinical Genetics Services, Murdoch Childrens Research Institute); PubMed 25959266 (cited by Victorian Clinical Genetics Services, Murdoch Childrens Research Institute); PubMed 32917465 (cited by Victorian Clinical Genetics Services, Murdoch Childrens Research Institute).